The following is an entry in ClinVar:

NM_001199138.2(NLRC4):c.2680G>T (p.Gly894Cys)

Gene: NLRC4 (NLR family CARD domain containing 4; minus strand). Cytogenetic location: 2p22.3.
Variant type: single nucleotide variant.
Coding change: c.2680G>T on transcript NM_001199138.2 (MANE Select); coding-DNA position 2680, G replaced by T.
Protein change: p.Gly894Cys; replaces glycine 894 with cysteine.
Molecular consequence: missense variant.
Genome position (GRCh38, 1-based): chr2:32,235,503, C>A on the plus strand (G>T on the coding strand, the complement: NLRC4 is on the minus strand). VCF-style: chr2-32235503-C-A. GRCh37 (hg19) VCF-style: chr2-32460572-C-A.
Other names: c.2680G>T, p.Gly894Cys (NM_001199139.2, NM_021209.5); c.685G>T, p.Gly229Cys (NM_001302504.2); short protein forms G229C, G894C.
Identifiers: ClinVar variation 836512 (VCV000836512.9), dbSNP rs1686651887, ClinGen allele CA346520775.

ClinVar aggregate classification (germline): Uncertain significance (1 of 4 stars; one submission).

Conditions:
Periodic fever-infantile enterocolitis-autoinflammatory syndrome. Also called: Autoinflammation with infantile enterocolitis. Identifiers: Orphanet 436166, MedGen C4015067, MONDO:0014472, OMIM 616050.
Familial cold autoinflammatory syndrome 4 (FCAS4). Identifiers: Orphanet 47045, Orphanet 576349, MedGen C4015276, MONDO:0014498, OMIM 616115.

Submission:

Labcorp Genetics (formerly Invitae), Labcorp
Classification: Uncertain significance for Periodic fever-infantile enterocolitis-autoinflammatory syndrome; Familial cold autoinflammatory syndrome 4. Last evaluated: 2019-04-16. Review status: criteria provided, single submitter. Criteria: Invitae Variant Classification Sherloc (09022015). Collection method: clinical testing. Allele origin: germline.
Comment: This variant is not present in population databases (ExAC no frequency). This sequence change replaces glycine with cysteine at codon 894 of the NLRC4 protein (p.Gly894Cys). The glycine residue is weakly conserved and there is a large physicochemical difference between glycine and cysteine. This variant has not been reported in the literature in individuals with NLRC4-related conditions. Algorithms developed to predict the effect of missense changes on protein structure and function (SIFT, PolyPhen-2, Align-GVGD) all suggest that this variant is likely to be tolerated, but these predictions have not been confirmed by published functional studies and their clinical significance is uncertain. In summary, the available evidence is currently insufficient to determine the role of this variant in disease. Therefore, it has been classified as a Variant of Uncertain Significance.